The following is an entry in ClinVar:

NM_004100.5(EYA4):c.1097G>A (p.Ser366Asn)

Gene: EYA4 (EYA transcriptional coactivator and phosphatase 4; plus strand). Cytogenetic location: 6q23.2.
Variant type: single nucleotide variant.
Coding change: c.1097G>A on transcript NM_004100.5 (MANE Select); coding-DNA position 1097, G replaced by A.
Protein change: p.Ser366Asn; replaces serine 366 with asparagine.
Molecular consequence: missense variant.
Genome position (GRCh38, 1-based): chr6:133,481,589, G>A. VCF-style: chr6-133481589-G-A. GRCh37 (hg19) VCF-style: chr6-133802727-G-A.
Other names: c.935G>A, p.Ser312Asn (NM_001301012.2); c.1115G>A, p.Ser372Asn (NM_001301013.2); c.1028G>A, p.Ser343Asn (NM_001370458.1, NM_172103.4); c.953G>A, p.Ser318Asn (NM_001370459.1); c.1097G>A, p.Ser366Asn (NM_172105.4); short protein forms S366N, S343N, S312N, S318N, S372N.
Identifiers: ClinVar variation 163449 (VCV000163449.4), dbSNP rs727503052, ClinGen allele CA176097.

ClinVar aggregate classification (germline): Uncertain significance (1 of 4 stars; one submission).

gnomAD v4.1: 1 of 1,613,974 alleles (0.000062%); highest among the groups gnomAD compares: Middle Eastern, 0.017%; no homozygotes.

Submission:

Laboratory for Molecular Medicine, Mass General Brigham Personalized Medicine
Classification: Uncertain significance. Last evaluated: 2013-10-05. Review status: criteria provided, single submitter. Criteria: LMM Criteria. Collection method: clinical testing. Allele origin: germline. Observed: 1 variant allele.
Comment: The Ser366Asn variant in EYA4 has not been reported in individuals with hearing loss or in large population studies. Computational analyses (biochemical amino a cid properties, conservation, AlignGVGD, PolyPhen2, and SIFT) do not provide str ong support for or against an impact to the protein. In summary, additional info rmation is needed to fully assess the clinical significance of the Ser366Asn var iant.